The following is an entry in ClinVar:

NM_001312909.2(FAM111A):c.1423C>T (p.Pro475Ser)

Gene: FAM111A (FAM111 trypsin like peptidase A; plus strand). Cytogenetic location: 11q12.1.
Variant type: single nucleotide variant.
Coding change: c.1423C>T on transcript NM_001312909.2 (MANE Select); coding-DNA position 1423, C replaced by T.
Protein change: p.Pro475Ser; replaces proline 475 with serine.
Molecular consequence: missense variant.
Genome position (GRCh38, 1-based): chr11:59,153,091, C>T. VCF-style: chr11-59153091-C-T. GRCh37 (hg19) VCF-style: chr11-58920564-C-T.
Other names: c.1423C>T, p.Pro475Ser (NM_001142519.3, NM_001142520.3, NM_001142521.3 and 29 more transcripts); short protein forms P475S.
Identifiers: ClinVar variation 2013066 (VCV002013066.4), dbSNP rs1565207108, ClinGen allele CA380785066.

ClinVar aggregate classification (germline): Uncertain significance (1 of 4 stars; one submission).

Allele frequency attached by ClinVar (database versions not stated): gnomAD exomes below 0.00001.

Submission:

Labcorp Genetics (formerly Invitae), Labcorp
Classification: Uncertain significance. Last evaluated: 2025-08-18. Review status: criteria provided, single submitter. Criteria: Invitae Variant Classification Sherloc (09022015). Collection method: clinical testing. Allele origin: germline.
Comment: This sequence change replaces proline, which is neutral and non-polar, with serine, which is neutral and polar, at codon 475 of the FAM111A protein (p.Pro475Ser). This variant is not present in population databases (gnomAD no frequency). This variant has not been reported in the literature in individuals affected with FAM111A-related conditions. ClinVar contains an entry for this variant (Variation ID: 2013066). Invitae Evidence Modeling of protein sequence and biophysical properties (such as structural, functional, and spatial information, amino acid conservation, physicochemical variation, residue mobility, and thermodynamic stability) indicates that this missense variant is expected to disrupt FAM111A protein function with a positive predictive value of 80%. In summary, the available evidence is currently insufficient to determine the role of this variant in disease. Therefore, it has been classified as a Variant of Uncertain Significance.